The following is an entry in ClinVar:

NM_003079.5(SMARCE1):c.113A>T (p.Asn38Ile)

Gene: SMARCE1 (SWI/SNF related BAF chromatin remodeling complex subunit E1; minus strand). Cytogenetic location: 17q21.2.
Variant type: single nucleotide variant.
Coding change: c.113A>T on transcript NM_003079.5 (MANE Select); coding-DNA position 113, A replaced by T.
Protein change: p.Asn38Ile; replaces asparagine 38 with isoleucine.
Molecular consequence: missense variant.
Genome position (GRCh38, 1-based): chr17:40,642,498, T>A on the plus strand (A>T on the coding strand, the complement: SMARCE1 is on the minus strand). VCF-style: chr17-40642498-T-A. GRCh37 (hg19) VCF-style: chr17-38798750-T-A.
Other names: short protein forms N38I.
Identifiers: ClinVar variation 4864856 (VCV004864856.1).

ClinVar aggregate classification (germline): Uncertain significance (1 of 4 stars; one submission).

Conditions:
Hereditary cancer-predisposing syndrome. Also called: Neoplastic Syndromes, Hereditary; Tumor predisposition; Hereditary Cancer Syndrome; Hereditary neoplastic syndrome. Identifiers: Orphanet 140162, MedGen C0027672, MeSH D009386, MONDO:0015356.

Submission:

Ambry Genetics
Classification: Uncertain significance for Hereditary cancer-predisposing syndrome. Last evaluated: 2026-03-15. Review status: criteria provided, single submitter. Criteria: Ambry Variant Classification Scheme 2023. Collection method: clinical testing. Allele origin: germline.
Comment: The p.N38I variant (also known as c.113A>T), located in coding exon 3 of the SMARCE1 gene, results from an A to T substitution at nucleotide position 113. The asparagine at codon 38 is replaced by isoleucine, an amino acid with dissimilar properties. This amino acid position is conserved. In addition, the in silico prediction for this alteration is inconclusive. Based on the available evidence, the clinical significance of this variant remains unclear.